The following is an entry in ClinVar:

ClinVar aggregate classification (germline): Pathogenic (1 of 4 stars; one submission).

Conditions:
Phenylketonuria (PKU). Also called: FOLLING DISEASE; OLIGOPHRENIA PHENYLPYRUVICA; Phenylketonurias; Phenylketonuria (PKU). Identifiers: Orphanet 716, MedGen C0031485, MONDO:0009861, OMIM 261600. Disease mechanism: loss of function.

Submission:

Labcorp Genetics (formerly Invitae), Labcorp
Classification: Pathogenic for Phenylketonuria. Last evaluated: 2025-04-02. Review status: criteria provided, single submitter. Criteria: Invitae Variant Classification Sherloc (09022015). Collection method: clinical testing. Allele origin: germline.
Comment: This sequence change replaces aspartic acid, which is acidic and polar, with glycine, which is neutral and non-polar, at codon 394 of the PAH protein (p.Asp394Gly). This variant is not present in population databases (gnomAD no frequency). This missense change has been observed in individual(s) with PAH-related conditions (internal data). In at least one individual the data is consistent with being in trans (on the opposite chromosome) from a pathogenic variant. Invitae Evidence Modeling of protein sequence and biophysical properties (such as structural, functional, and spatial information, amino acid conservation, physicochemical variation, residue mobility, and thermodynamic stability) has been performed for this missense variant. However, the output from this modeling did not meet the statistical confidence thresholds required to predict the impact of this variant on PAH protein function. This variant disrupts the p.Asp394 amino acid residue in PAH. Other variant(s) that disrupt this residue have been determined to be pathogenic (PMID: 8268925, 8830172, 9634518, 32668217). This suggests that this residue is clinically significant, and that variants that disrupt this residue are likely to be disease-causing. For these reasons, this variant has been classified as Pathogenic.

Literature cited by the submitters: PubMed 8268925; PubMed 8830172; PubMed 9634518; PubMed 32668217.

NM_000277.3(PAH):c.1181A>G (p.Asp394Gly)

Gene: PAH (phenylalanine hydroxylase; minus strand). Cytogenetic location: 12q23.2.
Variant type: single nucleotide variant.
Coding change: c.1181A>G on transcript NM_000277.3 (MANE Select); coding-DNA position 1181, A replaced by G.
Protein change: p.Asp394Gly; replaces aspartic acid 394 with glycine.
Molecular consequence: missense variant.
Genome position (GRCh38, 1-based): chr12:102,843,664, T>C on the plus strand (A>G on the coding strand, the complement: PAH is on the minus strand). VCF-style: chr12-102843664-T-C. GRCh37 (hg19) VCF-style: chr12-103237442-T-C.
Other names: c.1181A>G, p.Asp394Gly (NM_001354304.2); short protein forms D394G.
Identifiers: ClinVar variation 4741421 (VCV004741421.1).